The following is an entry in ClinVar:

NM_004168.4(SDHA):c.531C>G (p.Ser177Arg)

Gene: SDHA (succinate dehydrogenase complex flavoprotein subunit A; plus strand). Cytogenetic location: 5p15.33.
Variant type: single nucleotide variant.
Coding change: c.531C>G on transcript NM_004168.4 (MANE Select); coding-DNA position 531, C replaced by G.
Protein change: p.Ser177Arg; replaces serine 177 with arginine.
Molecular consequence: missense variant.
Genome position (GRCh38, 1-based): chr5:225,957, C>G. VCF-style: chr5-225957-C-G. GRCh37 (hg19) VCF-style: chr5-226072-C-G.
Other names: c.387C>G, p.Ser129Arg (NM_001294332.2); c.531C>G, p.Ser177Arg (NM_001330758.2); short protein forms S177R, S129R.
Identifiers: ClinVar variation 2179894 (VCV002179894.4), dbSNP rs756351128, ClinGen allele CA359010232.

ClinVar aggregate classification (germline): Uncertain significance (1 of 4 stars; one submission).

Conditions:
Mitochondrial complex II deficiency, nuclear type 1. Also called: SUCCINATE CoQ REDUCTASE DEFICIENCY. Identifiers: Orphanet 3208, MedGen C5700310, MONDO:0100294, OMIM 252011.
Pheochromocytoma/paraganglioma syndrome 5. Also called: Paragangliomas 5; SDHA-Related Hereditary Paraganglioma-Pheochromocytoma Syndrome. Identifiers: Orphanet 29072, MedGen C3279992, MONDO:0013602, OMIM 614165.

Allele frequency attached by ClinVar (database versions not stated): TOPMed below 0.00001; gnomAD 0.00001.
gnomAD v4.1: 1 of 1,613,946 alleles (0.000062%); highest among the groups gnomAD compares: Non-Finnish European, 0.000085%; no homozygotes.

Submission:

Labcorp Genetics (formerly Invitae), Labcorp
Classification: Uncertain significance for Pheochromocytoma/paraganglioma syndrome 5; Mitochondrial complex II deficiency, nuclear type 1. Last evaluated: 2021-12-29. Review status: criteria provided, single submitter. Criteria: Invitae Variant Classification Sherloc (09022015). Collection method: clinical testing. Allele origin: germline.
Comment: Advanced modeling of protein sequence and biophysical properties (such as structural, functional, and spatial information, amino acid conservation, physicochemical variation, residue mobility, and thermodynamic stability) performed at Invitae indicates that this missense variant is not expected to disrupt SDHA protein function. This sequence change replaces serine, which is neutral and polar, with arginine, which is basic and polar, at codon 177 of the SDHA protein (p.Ser177Arg). This variant is not present in population databases (gnomAD no frequency). This variant has not been reported in the literature in individuals affected with SDHA-related conditions. In summary, the available evidence is currently insufficient to determine the role of this variant in disease. Therefore, it has been classified as a Variant of Uncertain Significance.